The following is an entry in ClinVar:

NM_006059.4(LAMC3):c.865G>A (p.Ala289Thr)

Gene: LAMC3 (laminin subunit gamma 3; plus strand). Cytogenetic location: 9q34.12.
Variant type: single nucleotide variant.
Coding change: c.865G>A on transcript NM_006059.4 (MANE Select); coding-DNA position 865, G replaced by A.
Protein change: p.Ala289Thr; replaces alanine 289 with threonine.
Molecular consequence: missense variant.
Genome position (GRCh38, 1-based): chr9:131,036,221, G>A. VCF-style: chr9-131036221-G-A. GRCh37 (hg19) VCF-style: chr9-133911608-G-A.
Other names: short protein forms A289T.
Identifiers: ClinVar variation 1428313 (VCV001428313.7), dbSNP rs2133247116, ClinGen allele CA375256519.

ClinVar aggregate classification (germline): Uncertain significance (1 of 4 stars; one submission).

Submission:

Labcorp Genetics (formerly Invitae), Labcorp
Classification: Uncertain significance. Last evaluated: 2021-07-21. Review status: criteria provided, single submitter. Criteria: Invitae Variant Classification Sherloc (09022015). Collection method: clinical testing. Allele origin: germline.
Comment: In summary, the available evidence is currently insufficient to determine the role of this variant in disease. Therefore, it has been classified as a Variant of Uncertain Significance. Algorithms developed to predict the effect of missense changes on protein structure and function (SIFT, PolyPhen-2, Align-GVGD) all suggest that this variant is likely to be tolerated. This variant has not been reported in the literature in individuals affected with LAMC3-related conditions. This variant is not present in population databases (ExAC no frequency). This sequence change replaces alanine with threonine at codon 289 of the LAMC3 protein (p.Ala289Thr). The alanine residue is moderately conserved and there is a small physicochemical difference between alanine and threonine.